The following is an entry in ClinVar:

ClinVar aggregate classification (germline): Benign/Likely benign. Review status: criteria provided, multiple submitters, no conflicts (2 of 4 stars). 8 submissions from 8 submitters: Benign (1); Likely benign (6). 1 of the submissions does not count toward it. Last evaluated 2025-04-22.

Conditions:
Inborn genetic diseases. Identifiers: MedGen C0950123, MeSH D030342.
Landau-Kleffner syndrome (FESD). Also called: EPILEPSY, FOCAL, WITH SPEECH DISORDER AND WITH OR WITHOUT MENTAL RETARDATION; APHASIA, ACQUIRED, WITH EPILEPSY. Identifiers: Orphanet 1945, Orphanet 725, Orphanet 98818, MedGen C0282512, MONDO:0009509, OMIM 245570.
GRIN2A-related complex neurodevelopmental disorder. Also called: GRIN2A-related disorder; GRIN2A-related condition. Identifiers: MedGen CN379781, MONDO:1060139.

Allele frequency attached by ClinVar (database versions not stated): gnomAD exomes 0.00005; gnomAD 0.00007 and 0.00006; TOPMed 0.00006; ExAC 0.00007; ESP Exome Variant Server 0.00031.
gnomAD v4.1: 79 of 1,614,096 alleles (0.0049%); highest among the groups gnomAD compares: Non-Finnish European, 0.0064%; no homozygotes.

Submissions (8):

Labcorp Genetics (formerly Invitae), Labcorp
Classification: Likely benign for Landau-Kleffner syndrome. Last evaluated: 2025-04-22. Review status: criteria provided, single submitter. Criteria: Invitae Variant Classification Sherloc (09022015). Collection method: clinical testing. Allele origin: germline.

ARUP Laboratories, Molecular Genetics and Genomics, ARUP Laboratories
Classification: Likely benign for Landau-Kleffner syndrome. Last evaluated: 2024-05-01. Review status: criteria provided, single submitter. Criteria: ARUP Molecular Germline Variant Investigation Process 2024. Collection method: clinical testing. Allele origin: germline.

Blueprint Genetics
Classification: Likely benign. Last evaluated: 2022-01-31. Review status: criteria provided, single submitter. Criteria: ACMG Guidelines, 2015. Collection method: clinical testing. Allele origin: germline.

CeGaT Center for Human Genetics Tuebingen
Classification: Likely benign. Last evaluated: 2021-05-01. Review status: criteria provided, single submitter. Criteria: CeGaT Center For Human Genetics Tuebingen Variant Classification Criteria Version 2. Collection method: clinical testing. Allele origin: germline. Affected: yes. Observed: 1 variant allele.

Ambry Genetics
Classification: Likely benign for Inborn genetic diseases. Last evaluated: 2018-12-31. Review status: criteria provided, single submitter. Criteria: Ambry Variant Classification Scheme 2023. Collection method: clinical testing. Allele origin: germline.

Illumina Laboratory Services, Illumina
Classification: Likely benign for Landau-Kleffner syndrome. Last evaluated: 2018-01-13. Review status: criteria provided, single submitter. Criteria: ICSL Variant Classification Criteria 13 December 2019. Collection method: clinical testing. Allele origin: germline.
Comment: This variant was observed in the ICSL laboratory as part of a predisposition screen in an ostensibly healthy population. It had not been previously curated by ICSL or reported in the Human Gene Mutation Database (HGMD: prior to June 1st, 2018), and was therefore a candidate for classification through an automated scoring system. Utilizing variant allele frequency, disease prevalence and penetrance estimates, and inheritance mode, an automated score was calculated to assess if this variant is too frequent to cause the disease. Based on the score and internal cut-off values, a variant classified as likely benign is not then subjected to further curation. The score for this variant resulted in a classification of likely benign for this disease.

GeneDx
Classification: Benign. Last evaluated: 2015-03-05. Review status: criteria provided, single submitter. Criteria: GeneDx Variant Classification (06012015). Collection method: clinical testing. Allele origin: germline. Affected: yes.
Comment: This variant is considered likely benign or benign based on one or more of the following criteria: it is a conservative change, it occurs at a poorly conserved position in the protein, it is predicted to be benign by multiple in silico algorithms, and/or has population frequency not consistent with disease.

PreventionGenetics, part of Exact Sciences
Classification: Likely benign for GRIN2A-related condition. Last evaluated: 2019-06-10. Review status: no assertion criteria provided. Collection method: clinical testing. Allele origin: germline. Not counted in ClinVar's aggregate classification.
Comment: This variant is classified as likely benign based on ACMG/AMP sequence variant interpretation guidelines (Richards et al. 2015 PMID: 25741868, with internal and published modifications).

NM_001134407.3(GRIN2A):c.2760A>G (p.Arg920=)

Gene: GRIN2A (glutamate ionotropic receptor NMDA type subunit 2A; minus strand). Cytogenetic location: 16p13.2.
Variant type: single nucleotide variant.
Coding change: c.2760A>G on transcript NM_001134407.3 (MANE Select); coding-DNA position 2760, A replaced by G.
Protein change: p.Arg920=; no amino-acid change (arginine 920 retained).
Molecular consequence: synonymous variant.
Genome position (GRCh38, 1-based): chr16:9,764,784, T>C on the plus strand (A>G on the coding strand, the complement: GRIN2A is on the minus strand). VCF-style: chr16-9764784-T-C. GRCh37 (hg19) VCF-style: chr16-9858641-T-C.
Other names: c.2760A>G, p.Arg920= (NM_000833.5, NM_001134408.2).
Identifiers: ClinVar variation 377942 (VCV000377942.51), dbSNP rs80138441, ClinGen allele CA7896427.